The following is an entry in ClinVar:

ClinVar aggregate classification (germline): Uncertain significance. Review status: criteria provided, multiple submitters, no conflicts (2 of 4 stars). 3 submissions from 3 submitters: Uncertain significance (3). Last evaluated 2025-05-13.

Conditions:
Inborn genetic diseases. Identifiers: MedGen C0950123, MeSH D030342.
Anterior segment dysgenesis 7 (ASGD7). Also called: Anterior segment dysgenesis 7, with sclerocornea; SCLEROCORNEA WITH OTHER OCULAR ANOMALIES. Identifiers: Orphanet 289499, MedGen C3151617, MONDO:0010015, OMIM 269400.

Allele frequency attached by ClinVar (database versions not stated): ESP Exome Variant Server 0.00008; 1000 Genomes Project 30x 0.00016; gnomAD exomes 0.00016; ExAC 0.00017; gnomAD 0.00017; TOPMed 0.00018; 1000 Genomes Project 0.00020.
gnomAD v4.1: 266 of 1,613,954 alleles (0.016%); highest among the groups gnomAD compares: Non-Finnish European, 0.02%; no homozygotes.

Submissions (3):

Ambry Genetics
Classification: Uncertain significance for Inborn genetic diseases. Last evaluated: 2025-05-13. Review status: criteria provided, single submitter. Criteria: Ambry Variant Classification Scheme 2023. Collection method: clinical testing. Allele origin: germline.

Blueprint Genetics
Classification: Uncertain significance. Last evaluated: 2024-11-21. Review status: criteria provided, single submitter. Criteria: ACMG Guidelines, 2015. Collection method: clinical testing. Allele origin: germline.

Labcorp Genetics (formerly Invitae), Labcorp
Classification: Uncertain significance for Anterior segment dysgenesis 7. Last evaluated: 2024-10-25. Review status: criteria provided, single submitter. Criteria: Invitae Variant Classification Sherloc (09022015). Collection method: clinical testing. Allele origin: germline.
Comment: This sequence change replaces threonine, which is neutral and polar, with methionine, which is neutral and non-polar, at codon 1268 of the PXDN protein (p.Thr1268Met). This variant is present in population databases (rs112794633, gnomAD 0.03%). This variant has not been reported in the literature in individuals affected with PXDN-related conditions. ClinVar contains an entry for this variant (Variation ID: 2102508). Invitae Evidence Modeling of protein sequence and biophysical properties (such as structural, functional, and spatial information, amino acid conservation, physicochemical variation, residue mobility, and thermodynamic stability) indicates that this missense variant is not expected to disrupt PXDN protein function with a negative predictive value of 80%. In summary, the available evidence is currently insufficient to determine the role of this variant in disease. Therefore, it has been classified as a Variant of Uncertain Significance.

NM_012293.3(PXDN):c.3803C>T (p.Thr1268Met)

Gene: PXDN (peroxidasin; minus strand). Cytogenetic location: 2p25.3.
Variant type: single nucleotide variant.
Coding change: c.3803C>T on transcript NM_012293.3 (MANE Select); coding-DNA position 3803, C replaced by T.
Protein change: p.Thr1268Met; replaces threonine 1268 with methionine.
Molecular consequence: missense variant.
Genome position (GRCh38, 1-based): chr2:1,643,517, G>A on the plus strand (C>T on the coding strand, the complement: PXDN is on the minus strand). VCF-style: chr2-1643517-G-A. GRCh37 (hg19) VCF-style: chr2-1647289-G-A.
Other names: c.3803C>T (NM_012293.1); short protein forms T1268M.
Identifiers: ClinVar variation 2102508 (VCV002102508.7), dbSNP rs112794633, ClinGen allele CA1512620.